The following is an entry in ClinVar:

ClinVar aggregate classification (germline): Uncertain significance (1 of 4 stars; one submission).

Allele frequency attached by ClinVar (database versions not stated): TOPMed below 0.00001.

Submission:

Labcorp Genetics (formerly Invitae), Labcorp
Classification: Uncertain significance. Last evaluated: 2021-11-28. Review status: criteria provided, single submitter. Criteria: Invitae Variant Classification Sherloc (09022015). Collection method: clinical testing. Allele origin: germline.
Comment: In summary, the available evidence is currently insufficient to determine the role of this variant in disease. Therefore, it has been classified as a Variant of Uncertain Significance. Algorithms developed to predict the effect of missense changes on protein structure and function (SIFT, PolyPhen-2, Align-GVGD) all suggest that this variant is likely to be tolerated. This variant has not been reported in the literature in individuals affected with PCARE-related conditions. This variant is not present in population databases (gnomAD no frequency). This sequence change replaces threonine, which is neutral and polar, with lysine, which is basic and polar, at codon 999 of the PCARE protein (p.Thr999Lys).

NM_001029883.3(PCARE):c.2996C>A (p.Thr999Lys)

Gene: PCARE (photoreceptor cilium actin regulator; minus strand). Cytogenetic location: 2p23.2.
Variant type: single nucleotide variant.
Coding change: c.2996C>A on transcript NM_001029883.3 (MANE Select); coding-DNA position 2996, C replaced by A.
Protein change: p.Thr999Lys; replaces threonine 999 with lysine.
Molecular consequence: missense variant.
Genome position (GRCh38, 1-based): chr2:29,071,266, G>T on the plus strand (C>A on the coding strand, the complement: PCARE is on the minus strand). VCF-style: chr2-29071266-G-T. GRCh37 (hg19) VCF-style: chr2-29294132-G-T.
Other names: short protein forms T999K.
Identifiers: ClinVar variation 1395562 (VCV001395562.6), dbSNP rs1053035344, ClinGen allele CA44640209.